The following is an entry in ClinVar:

ClinVar aggregate classification (germline): Uncertain significance (1 of 4 stars; one submission).

Conditions:
Spermatogenic failure 18. Identifiers: MedGen C4539783, MONDO:0054615, OMIM 617576.
Ciliary dyskinesia, primary, 37 (CILD37). Also called: CILIARY DYSKINESIA, PRIMARY, 37, WITH OR WITHOUT SITUS INVERSUS. Identifiers: MedGen C4539798, MONDO:0033204, OMIM 617577.

Allele frequency attached by ClinVar (database versions not stated): gnomAD exomes below 0.00001; ExAC 0.00001; TOPMed 0.00002.

Submission:

Labcorp Genetics (formerly Invitae), Labcorp
Classification: Uncertain significance for Ciliary dyskinesia, primary, 37; Spermatogenic failure 18. Last evaluated: 2024-09-14. Review status: criteria provided, single submitter. Criteria: Invitae Variant Classification Sherloc (09022015). Collection method: clinical testing. Allele origin: germline.
Comment: This sequence change replaces valine, which is neutral and non-polar, with isoleucine, which is neutral and non-polar, at codon 2100 of the DNAH1 protein (p.Val2100Ile). This variant is present in population databases (rs748734983, gnomAD 0.006%). This variant has not been reported in the literature in individuals affected with DNAH1-related conditions. ClinVar contains an entry for this variant (Variation ID: 2075711). An algorithm developed to predict the effect of missense changes on protein structure and function (PolyPhen-2) suggests that this variant is likely to be tolerated. In summary, the available evidence is currently insufficient to determine the role of this variant in disease. Therefore, it has been classified as a Variant of Uncertain Significance.

NM_015512.5(DNAH1):c.6298G>A (p.Val2100Ile)

Gene: DNAH1 (dynein axonemal heavy chain 1; plus strand). Cytogenetic location: 3p21.1.
Variant type: single nucleotide variant.
Coding change: c.6298G>A on transcript NM_015512.5 (MANE Select); coding-DNA position 6298, G replaced by A.
Protein change: p.Val2100Ile; replaces valine 2100 with isoleucine.
Molecular consequence: missense variant.
Genome position (GRCh38, 1-based): chr3:52,370,516, G>A. VCF-style: chr3-52370516-G-A. GRCh37 (hg19) VCF-style: chr3-52404532-G-A.
Other names: short protein forms V2100I.
Identifiers: ClinVar variation 2075711 (VCV002075711.3), dbSNP rs748734983, ClinGen allele CA2434483.
Genomic context (GRCh38, chr3:52,370,516, plus strand): 5'-TACTGTTCCCTTCATCCCCAGGGCCTCAAGAAAATACCCTCTGAAAAGCTGAGTCGCATC[G>A]TAGAGTTGATCGAGCCCTGGTTCATCTTCTCCCTGATCTGGAGCGTGGGTGCCACTGGGG-3'
Protein context (NP_056327.4, residues 2090-2110): KIPSEKLSRI[Val2100Ile]ELIEPWFIFS